The following is an entry in ClinVar:

NM_017954.11(CADPS2):c.2395G>C (p.Val799Leu)

Gene: CADPS2 (calcium dependent secretion activator 2; minus strand). Cytogenetic location: 7q31.32.
Variant type: single nucleotide variant.
Coding change: c.2395G>C on transcript NM_017954.11 (MANE Select); coding-DNA position 2395, G replaced by C.
Protein change: p.Val799Leu; replaces valine 799 with leucine.
Molecular consequence: missense variant.
Genome position (GRCh38, 1-based): chr7:122,438,422, C>G on the plus strand (G>C on the coding strand, the complement: CADPS2 is on the minus strand). VCF-style: chr7-122438422-C-G. GRCh37 (hg19) VCF-style: chr7-122078476-C-G.
Other names: c.2386G>C, p.Val796Leu (NM_001009571.4, NM_001363391.2, NM_001363395.2 and 1 more transcripts); c.2395G>C, p.Val799Leu (NM_001167940.2, NM_001363389.2, NM_001363390.2 and 5 more transcripts); c.1912G>C, p.Val638Leu (NM_001363399.2, NM_001363400.2); short protein forms V638L, V796L, V799L.
Identifiers: ClinVar variation 3044118 (VCV003044118.2), dbSNP rs118113605, ClinGen allele CA4459544.

ClinVar aggregate classification (germline): Likely benign (0 of 4 stars; one submission).

Conditions:
CADPS2-related disorder. Also called: CADPS2-related condition.

Allele frequency attached by ClinVar (database versions not stated): 1000 Genomes Project 0.00060; 1000 Genomes Project 30x 0.00078; gnomAD 0.00097; TOPMed 0.00099; ESP Exome Variant Server 0.00108; ExAC 0.00114; gnomAD exomes 0.00136.
gnomAD v4.1: 2,107 of 1,613,108 alleles (0.13%); highest among the groups gnomAD compares: Admixed American, 0.2%; 4 homozygotes.

Submission:

PreventionGenetics, part of Exact Sciences
Classification: Likely benign for CADPS2-related condition. Last evaluated: 2022-10-28. Review status: no assertion criteria provided. Collection method: clinical testing. Allele origin: germline.
Comment: This variant is classified as likely benign based on ACMG/AMP sequence variant interpretation guidelines (Richards et al. 2015 PMID: 25741868, with internal and published modifications).